The following is an entry in ClinVar:

ClinVar aggregate classification (germline): Uncertain significance (1 of 4 stars; one submission).

gnomAD v4.1: 50 of 1,609,142 alleles (0.0031%); highest among the groups gnomAD compares: Non-Finnish European, 0.0037%; no homozygotes.

Submission:

Labcorp Genetics (formerly Invitae), Labcorp
Classification: Uncertain significance. Last evaluated: 2025-05-28. Review status: criteria provided, single submitter. Criteria: Invitae Variant Classification Sherloc (09022015). Collection method: clinical testing. Allele origin: germline.
Comment: This sequence change replaces serine, which is neutral and polar, with leucine, which is neutral and non-polar, at codon 313 of the PPA2 protein (p.Ser313Leu). This variant is present in population databases (rs151331559, gnomAD 0.005%). This variant has not been reported in the literature in individuals affected with PPA2-related conditions. ClinVar contains an entry for this variant (Variation ID: 1496435). Invitae Evidence Modeling of protein sequence and biophysical properties (such as structural, functional, and spatial information, amino acid conservation, physicochemical variation, residue mobility, and thermodynamic stability) indicates that this missense variant is not expected to disrupt PPA2 protein function with a negative predictive value of 95%. In summary, the available evidence is currently insufficient to determine the role of this variant in disease. Therefore, it has been classified as a Variant of Uncertain Significance.

NM_176869.3(PPA2):c.938C>T (p.Ser313Leu)

Gene: PPA2 (inorganic pyrophosphatase 2; minus strand). Cytogenetic location: 4q24.
Variant type: single nucleotide variant.
Coding change: c.938C>T on transcript NM_176869.3 (MANE Select); coding-DNA position 938, C replaced by T.
Protein change: p.Ser313Leu; replaces serine 313 with leucine.
Molecular consequence: missense variant.
Genome position (GRCh38, 1-based): chr4:105,386,568, G>A on the plus strand (C>T on the coding strand, the complement: PPA2 is on the minus strand). VCF-style: chr4-105386568-G-A. GRCh37 (hg19) VCF-style: chr4-106307725-G-A.
Other names: c.851C>T, p.Ser284Leu (NM_006903.4); c.632C>T, p.Ser211Leu (NM_176866.2); c.440C>T, p.Ser147Leu (NM_176867.3); short protein forms S211L, S284L, S147L, S313L.
Identifiers: ClinVar variation 1496435 (VCV001496435.4), dbSNP rs151331559, ClinGen allele CA3032363.
Genomic context (GRCh38, chr4:105,386,568, plus strand): 5'-TACTAGACTTCCTATGACATTTATAAGATTAAAGGATGTCTTGGATGTTTGCCCCTTACC[G>A]ATTCAACTAATGATCTTGCTTCCTCTTGAGTGCAACGGAAAGGGCTATCAGATATCTGCA-3'
Protein context (NP_789845.1, residues 303-323): TQEEARSLVE[Ser313Leu]VSSSPNKESN